The following is an entry in ClinVar:

NM_014251.3(SLC25A13):c.1400G>A (p.Arg467Gln)

Gene: SLC25A13 (solute carrier family 25 member 13; minus strand). Cytogenetic location: 7q21.3.
Variant type: single nucleotide variant.
Coding change: c.1400G>A on transcript NM_014251.3 (MANE Select); coding-DNA position 1400, G replaced by A.
Protein change: p.Arg467Gln; replaces arginine 467 with glutamine.
Molecular consequence: missense variant. On other transcripts: non-coding transcript variant (1).
Genome position (GRCh38, 1-based): chr7:96,146,608, C>T on the plus strand (G>A on the coding strand, the complement: SLC25A13 is on the minus strand). VCF-style: chr7-96146608-C-T. GRCh37 (hg19) VCF-style: chr7-95775920-C-T.
Other names: c.1400G>A (NM_014251.2); c.1403G>A, p.Arg468Gln (NM_001160210.2); short protein forms R467Q, R468Q.
Identifiers: ClinVar variation 2731500 (VCV002731500.4), dbSNP rs754985592, ClinGen allele CA368256009.

ClinVar aggregate classification (germline): Uncertain significance. Review status: criteria provided, multiple submitters, no conflicts (2 of 4 stars). 2 submissions from 2 submitters: Uncertain significance (2). Last evaluated 2025-10-10.

Conditions:
Inborn genetic diseases. Identifiers: MedGen C0950123, MeSH D030342.
Citrin deficiency. Identifiers: Orphanet 247582, MedGen C1997910, MONDO:0016602.

Allele frequency attached by ClinVar (database versions not stated): gnomAD 0.00001; TOPMed 0.00001.
gnomAD v4.1: 18 of 1,613,754 alleles (0.0011%); highest among the groups gnomAD compares: South Asian, 0.0022%; no homozygotes.

Submissions (2):

Labcorp Genetics (formerly Invitae), Labcorp
Classification: Uncertain significance for Citrin deficiency. Last evaluated: 2025-10-10. Review status: criteria provided, single submitter. Criteria: Invitae Variant Classification Sherloc (09022015). Collection method: clinical testing. Allele origin: germline.
Comment: This sequence change replaces arginine, which is basic and polar, with glutamine, which is neutral and polar, at codon 467 of the SLC25A13 protein (p.Arg467Gln). This variant is present in population databases (no rsID available, gnomAD 0.003%). This variant has not been reported in the literature in individuals affected with SLC25A13-related conditions. ClinVar contains an entry for this variant (Variation ID: 2731500). Invitae Evidence Modeling of protein sequence and biophysical properties (such as structural, functional, and spatial information, amino acid conservation, physicochemical variation, residue mobility, and thermodynamic stability) indicates that this missense variant is not expected to disrupt SLC25A13 protein function with a negative predictive value of 80%. In summary, the available evidence is currently insufficient to determine the role of this variant in disease. Therefore, it has been classified as a Variant of Uncertain Significance.

Ambry Genetics
Classification: Uncertain significance for Inborn genetic diseases. Last evaluated: 2025-05-23. Review status: criteria provided, single submitter. Criteria: Ambry Variant Classification Scheme 2023. Collection method: clinical testing. Allele origin: germline.